The following is an entry in ClinVar:

ClinVar aggregate classification (germline): Likely benign. Review status: criteria provided, multiple submitters, no conflicts (2 of 4 stars). 2 submissions from 2 submitters: Likely benign (2). Last evaluated 2024-10-14.

Conditions:
Hereditary diffuse gastric adenocarcinoma (HDGC). Also called: DIFFUSE GASTRIC AND LOBULAR BREAST CANCER SYNDROME. Identifiers: Orphanet 26106, MedGen C1708349, MONDO:0007648, OMIM 137215.

Submissions (2):

Myriad Genetics, Inc.
Classification: Likely benign for Hereditary diffuse gastric adenocarcinoma. Last evaluated: 2024-10-14. Review status: criteria provided, single submitter. Criteria: Myriad Autosomal Dominant, Autosomal Recessive and X-Linked Classification Criteria (2023). Collection method: clinical testing. Allele origin: unknown.
Comment: This variant is considered likely benign. This variant is intronic and is not expected to impact mRNA splicing.

Labcorp Genetics (formerly Invitae), Labcorp
Classification: Likely benign. Last evaluated: 2022-07-19. Review status: criteria provided, single submitter. Criteria: Invitae Variant Classification Sherloc (09022015). Collection method: clinical testing. Allele origin: germline.

NM_001903.5(CTNNA1):c.1748-9T>C

Gene: CTNNA1 (catenin alpha 1; plus strand). Cytogenetic location: 5q31.2.
Variant type: single nucleotide variant.
Coding change: c.1748-9T>C on transcript NM_001903.5 (MANE Select); 9 bases into the intron before coding-DNA position 1748, T replaced by C.
Molecular consequence: intron variant.
Genome position (GRCh38, 1-based): chr5:138,925,247, T>C. VCF-style: chr5-138925247-T-C. GRCh37 (hg19) VCF-style: chr5-138260936-T-C.
Other names: c.1748-9T>C (NM_001323982.2, NM_001323984.2, NM_001290307.3 and 2 more transcripts); c.1655-9T>C (NM_001323986.2); c.1379-9T>C (NM_001290310.3); c.1439-9T>C (NM_001290309.3); c.638-9T>C (NM_001323996.1, NM_001323993.1, NM_001324005.1 and 17 more transcripts); c.299-9T>C (NM_001324007.1, NM_001324009.1, NM_001324006.1 and 2 more transcripts); c.395-9T>C (NM_001324013.1, NM_001324012.1); c.545-9T>C (NM_001324011.1).
Identifiers: ClinVar variation 1142558 (VCV001142558.10), dbSNP rs2150294095, ClinGen allele CA2499217664.
Genomic context (GRCh38, chr5:138,925,247, plus strand): 5'-ATTCAGGGAGGGCCAGGGGAATGATGCTGCCTGCTGACCAGGGTATCTACTGTGCCTCTT[T>C]CTCCACAGTCATGCCACGTTTTACTGAGCAAGTAGAAGCAGCCGTGGAAGCCCTCAGCTC-3'